The following is an entry in ClinVar:

ClinVar aggregate classification (germline): Likely benign. Review status: criteria provided, single submitter (1 of 4 stars). 2 submissions from 2 submitters: Likely benign (1). 1 of the submissions does not count toward it. Last evaluated 2018-01-24.

Conditions:
TRIO-related disorder. Also called: TRIO-related disorders; TRIO-related condition.

Allele frequency attached by ClinVar (database versions not stated): gnomAD exomes 0.00004 and 0.00006; ExAC 0.00007; TOPMed 0.00007; gnomAD 0.00008 and 0.00009; ESP Exome Variant Server 0.00015.
gnomAD v4.1: 105 of 1,614,094 alleles (0.0065%); highest among the groups gnomAD compares: Non-Finnish European, 0.0085%; no homozygotes.

Submissions (2):

Labcorp Genetics (formerly Invitae), Labcorp
Classification: Likely benign. Last evaluated: 2018-01-24. Review status: criteria provided, single submitter. Criteria: Invitae Variant Classification Sherloc (09022015). Collection method: clinical testing. Allele origin: germline.

PreventionGenetics, part of Exact Sciences
Classification: Likely benign for TRIO-related condition. Last evaluated: 2020-01-28. Review status: no assertion criteria provided. Collection method: clinical testing. Allele origin: germline. Not counted in ClinVar's aggregate classification.
Comment: This variant is classified as likely benign based on ACMG/AMP sequence variant interpretation guidelines (Richards et al. 2015 PMID: 25741868, with internal and published modifications).

NM_007118.4(TRIO):c.8967G>C (p.Val2989=)

Gene: TRIO (trio Rho guanine nucleotide exchange factor; plus strand). Cytogenetic location: 5p15.2.
Variant type: single nucleotide variant.
Coding change: c.8967G>C on transcript NM_007118.4 (MANE Select); coding-DNA position 8967, G replaced by C.
Protein change: p.Val2989=; no amino-acid change (valine 2989 retained).
Molecular consequence: synonymous variant. On other transcripts: non-coding transcript variant (1).
Genome position (GRCh38, 1-based): chr5:14,508,095, G>C. VCF-style: chr5-14508095-G-C. GRCh37 (hg19) VCF-style: chr5-14508204-G-C.
Identifiers: ClinVar variation 736349 (VCV000736349.5), dbSNP rs148352486, ClinGen allele CA3208021.